The following is an entry in ClinVar:

ClinVar aggregate classification (germline): Likely pathogenic. Review status: criteria provided, single submitter (1 of 4 stars). 2 submissions from 2 submitters: Likely pathogenic (1). 1 of the submissions does not count toward it. Last evaluated 2018-11-15.

Conditions:
Ehlers-Danlos syndrome, type 4 (EDSVASC). Also called: Ehlers-Danlos syndrome vascular type; Ehlers Danlos syndrome, ecchymotic type; Ehlers Danlos syndrome, arterial type; Ehlers Danlos syndrome, Sack-Barabas type; Ehlers-Danlos Syndrome Type IV. Identifiers: Orphanet 286, MedGen C0268338, MONDO:0017314, OMIM 130050.

Submissions (2):

Labcorp Genetics (formerly Invitae), Labcorp
Classification: Likely pathogenic for Ehlers-Danlos syndrome, type 4. Last evaluated: 2018-11-15. Review status: criteria provided, single submitter. Criteria: Invitae Variant Classification Sherloc (09022015). Collection method: clinical testing. Allele origin: germline.
Comment: Glycine residues within the Gly-Xaa-Yaa repeats of the triple helix domain are required for the structure and stability of fibrillar collagens (PMID: 7695699, 8218237, 19344236). In COL3A1, missense variants at these glycine residues are significantly enriched in individuals with disease (PMID: 24922459, 25758994) compared to the general population (ExAC). In summary, the currently available evidence indicates that the variant is pathogenic, but additional data are needed to prove that conclusively. Therefore, this variant has been classified as Likely Pathogenic. This variant has been observed in individuals affected with Ehlers-Danlos syndrome (PMID: 10706896, 24922459). This variant is also known G997E in the literature. as ClinVar contains an entry for this variant (Variation ID: 101118). This variant is not present in population databases (ExAC no frequency). This sequence change replaces glycine with glutamic acid at codon 1164 of the COL3A1 protein (p.Gly1164Glu). The glycine residue is highly conserved and there is a moderate physicochemical difference between glycine and glutamic acid.

Collagen Diagnostic Laboratory, University of Washington
Classification: Pathogenic for Ehlers-Danlos syndrome, type 4. Review status: no assertion criteria provided. Collection method: clinical testing. Allele origin: germline. Affected: yes. Not counted in ClinVar's aggregate classification.

Literature cited by the submitters: PubMed 7695699 (cited by Labcorp Genetics (formerly Invitae), Labcorp); PubMed 8218237 (cited by Labcorp Genetics (formerly Invitae), Labcorp); PubMed 19344236 (cited by Labcorp Genetics (formerly Invitae), Labcorp); PubMed 24922459 (cited by Labcorp Genetics (formerly Invitae), Labcorp); PubMed 25758994 (cited by Labcorp Genetics (formerly Invitae), Labcorp); PubMed 10706896 (cited by Labcorp Genetics (formerly Invitae), Labcorp and Collagen Diagnostic Laboratory, University of Washington).

NM_000090.4(COL3A1):c.3491G>A (p.Gly1164Glu)

Gene: COL3A1 (collagen type III alpha 1 chain; plus strand). Cytogenetic location: 2q32.2.
Variant type: single nucleotide variant.
Coding change: c.3491G>A on transcript NM_000090.4 (MANE Select); coding-DNA position 3491, G replaced by A.
Protein change: p.Gly1164Glu; replaces glycine 1164 with glutamic acid.
Molecular consequence: missense variant.
Genome position (GRCh38, 1-based): chr2:189,008,108, G>A. VCF-style: chr2-189008108-G-A. GRCh37 (hg19) VCF-style: chr2-189872834-G-A.
Identifiers: ClinVar variation 101118 (VCV000101118.11), dbSNP rs587779431, ClinGen allele CA006480.